The following is an entry in ClinVar:

NM_004168.4(SDHA):c.433C>G (p.Gln145Glu)

Gene: SDHA (succinate dehydrogenase complex flavoprotein subunit A; plus strand). Cytogenetic location: 5p15.33.
Variant type: single nucleotide variant.
Coding change: c.433C>G on transcript NM_004168.4 (MANE Select); coding-DNA position 433, C replaced by G.
Protein change: p.Gln145Glu; replaces glutamine 145 with glutamic acid.
Molecular consequence: missense variant. On other transcripts: intron variant (1).
Genome position (GRCh38, 1-based): chr5:225,539, C>G. VCF-style: chr5-225539-C-G. GRCh37 (hg19) VCF-style: chr5-225654-C-G.
Other names: c.433C>G, p.Gln145Glu (NM_001330758.2); c.313-344C>G (NM_001294332.2); short protein forms Q145E.
Identifiers: ClinVar variation 1495533 (VCV001495533.10), dbSNP rs765784494, ClinGen allele CA3172816.

ClinVar aggregate classification (germline): Uncertain significance. Review status: criteria provided, multiple submitters, no conflicts (2 of 4 stars). 2 submissions from 2 submitters: Uncertain significance (2). Last evaluated 2025-07-06.

Conditions:
Mitochondrial complex II deficiency, nuclear type 1. Also called: SUCCINATE CoQ REDUCTASE DEFICIENCY. Identifiers: Orphanet 3208, MedGen C5700310, MONDO:0100294, OMIM 252011.
Pheochromocytoma/paraganglioma syndrome 5. Also called: Paragangliomas 5; SDHA-Related Hereditary Paraganglioma-Pheochromocytoma Syndrome. Identifiers: Orphanet 29072, MedGen C3279992, MONDO:0013602, OMIM 614165.
Hereditary cancer-predisposing syndrome. Also called: Neoplastic Syndromes, Hereditary; Hereditary Cancer Syndrome; Hereditary neoplastic syndrome; Tumor predisposition. Identifiers: Orphanet 140162, MedGen C0027672, MeSH D009386, MONDO:0015356.

Allele frequency attached by ClinVar (database versions not stated): gnomAD exomes below 0.00001 and 0.00001; ExAC 0.00001; TOPMed 0.00001.
gnomAD v4.1: 2 of 1,613,830 alleles (0.00012%); highest among the groups gnomAD compares: East Asian, 0.0045%; no homozygotes.

Submissions (2):

Labcorp Genetics (formerly Invitae), Labcorp
Classification: Uncertain significance for Pheochromocytoma/paraganglioma syndrome 5; Mitochondrial complex II deficiency, nuclear type 1. Last evaluated: 2025-07-06. Review status: criteria provided, single submitter. Criteria: Invitae Variant Classification Sherloc (09022015). Collection method: clinical testing. Allele origin: germline.
Comment: This sequence change replaces glutamine, which is neutral and polar, with glutamic acid, which is acidic and polar, at codon 145 of the SDHA protein (p.Gln145Glu). This variant is present in population databases (rs765784494, gnomAD 0.01%). This variant has not been reported in the literature in individuals affected with SDHA-related conditions. ClinVar contains an entry for this variant (Variation ID: 1495533). Invitae Evidence Modeling of protein sequence and biophysical properties (such as structural, functional, and spatial information, amino acid conservation, physicochemical variation, residue mobility, and thermodynamic stability) indicates that this missense variant is not expected to disrupt SDHA protein function with a negative predictive value of 95%. In summary, the available evidence is currently insufficient to determine the role of this variant in disease. Therefore, it has been classified as a Variant of Uncertain Significance.

Ambry Genetics
Classification: Uncertain significance for Hereditary cancer-predisposing syndrome. Last evaluated: 2022-08-07. Review status: criteria provided, single submitter. Criteria: Ambry Variant Classification Scheme 2023. Collection method: clinical testing. Allele origin: germline.
Comment: The p.Q145E variant (also known as c.433C>G), located in coding exon 4 of the SDHA gene, results from a C to G substitution at nucleotide position 433. The glutamine at codon 145 is replaced by glutamic acid, an amino acid with highly similar properties. This amino acid position is conserved. In addition, the in silico prediction for this alteration is inconclusive. Since supporting evidence is limited at this time, the clinical significance of this alteration remains unclear.